The following is an entry in ClinVar:

ClinVar aggregate classification (germline): Uncertain significance (1 of 4 stars; one submission).

Conditions:
Peroxisome biogenesis disorder 2B (PBD2B). Identifiers: Orphanet 44, MedGen C3550234, MONDO:0008736, OMIM 202370.

gnomAD v4.1: 2 of 1,570,154 alleles (0.00013%); highest among the groups gnomAD compares: African/African-American, 0.0014%; no homozygotes.

Submission:

Labcorp Genetics (formerly Invitae), Labcorp
Classification: Uncertain significance for Peroxisome biogenesis disorder 2B. Last evaluated: 2020-02-02. Review status: criteria provided, single submitter. Criteria: Invitae Variant Classification Sherloc (09022015). Collection method: clinical testing. Allele origin: germline.
Comment: This variant has not been reported in the literature in individuals with PEX5-related conditions. Algorithms developed to predict the effect of missense changes on protein structure and function (SIFT, PolyPhen-2, Align-GVGD) all suggest that this variant is likely to be tolerated, but these predictions have not been confirmed by published functional studies and their clinical significance is uncertain. In summary, the available evidence is currently insufficient to determine the role of this variant in disease. Therefore, it has been classified as a Variant of Uncertain Significance. This sequence change replaces arginine with serine at codon 183 of the PEX5 protein (p.Arg183Ser). The arginine residue is weakly conserved and there is a moderate physicochemical difference between arginine and serine. This variant is not present in population databases (ExAC no frequency).

NM_001351132.2(PEX5):c.547C>A (p.Arg183Ser)

Gene: PEX5 (peroxisomal biogenesis factor 5; plus strand). Cytogenetic location: 12p13.31.
Variant type: single nucleotide variant.
Coding change: c.547C>A on transcript NM_001351132.2 (MANE Select); coding-DNA position 547, C replaced by A.
Protein change: p.Arg183Ser; replaces arginine 183 with serine.
Molecular consequence: missense variant.
Genome position (GRCh38, 1-based): chr12:7,199,109, C>A. VCF-style: chr12-7199109-C-A. GRCh37 (hg19) VCF-style: chr12-7351705-C-A.
Other names: c.547C>A, p.Arg183Ser (NM_000319.5, NM_001131024.2, NM_001131025.2 and 19 more transcripts); c.592C>A, p.Arg198Ser (NM_001131023.2, NM_001351135.3, NM_001351138.2); short protein forms R183S, R198S.
Identifiers: ClinVar variation 1057168 (VCV001057168.9), dbSNP rs746104983, ClinGen allele CA383718230.